The following is an entry in ClinVar:

NM_020822.3(KCNT1):c.1898C>T (p.Ser633Leu)

Gene: KCNT1 (potassium sodium-activated channel subfamily T member 1; plus strand). Cytogenetic location: 9q34.3.
Variant type: single nucleotide variant.
Coding change: c.1898C>T on transcript NM_020822.3 (MANE Select); coding-DNA position 1898, C replaced by T.
Protein change: p.Ser633Leu; replaces serine 633 with leucine.
Molecular consequence: missense variant.
Genome position (GRCh38, 1-based): chr9:135,770,985, C>T. VCF-style: chr9-135770985-C-T. GRCh37 (hg19) VCF-style: chr9-138662831-C-T.
Other names: c.1763C>T, p.Ser588Leu (NM_001272003.2); short protein forms S633L, S588L.
Identifiers: ClinVar variation 452438 (VCV000452438.11), dbSNP rs377750450, ClinGen allele CA201473446.

ClinVar aggregate classification (germline): Uncertain significance. Review status: criteria provided, multiple submitters, no conflicts (2 of 4 stars). 4 submissions from 3 submitters: Uncertain significance (4). Last evaluated 2025-10-22.

Conditions:
Autosomal dominant nocturnal frontal lobe epilepsy 5. Also called: KCNT1-Related Epilepsy; CILIARY DYSKINESIA, PRIMARY, 28, WITHOUT SITUS INVERSUS; CILIARY DYSKINESIA, PRIMARY, 28, WITH SITUS INVERSUS; Epilepsy, nocturnal frontal lobe, 5. Identifiers: Orphanet 98784, MedGen C3554306, MONDO:0014002, OMIM 615005.
Developmental and epileptic encephalopathy, 14 (DEE14). Also called: Early infantile epileptic encephalopathy 14. Identifiers: Orphanet 293181, MedGen C3554195, MONDO:0013989, OMIM 614959.

Allele frequency attached by ClinVar (database versions not stated): gnomAD exomes below 0.00001; TOPMed 0.00001; ESP Exome Variant Server 0.00008.
gnomAD v4.1: 6 of 1,613,942 alleles (0.00037%); highest among the groups gnomAD compares: South Asian, 0.0011%; no homozygotes.

Submissions (4):

Labcorp Genetics (formerly Invitae), Labcorp
Classification: Uncertain significance for Autosomal dominant nocturnal frontal lobe epilepsy 5; Developmental and epileptic encephalopathy, 14. Last evaluated: 2025-10-22. Review status: criteria provided, single submitter. Criteria: Invitae Variant Classification Sherloc (09022015). Collection method: clinical testing. Allele origin: germline.
Comment: This sequence change replaces serine, which is neutral and polar, with leucine, which is neutral and non-polar, at codon 633 of the KCNT1 protein (p.Ser633Leu). This variant is present in population databases (rs377750450, gnomAD 0.0009%). This variant has not been reported in the literature in individuals affected with KCNT1-related conditions. ClinVar contains an entry for this variant (Variation ID: 452438). Invitae Evidence Modeling of protein sequence and biophysical properties (such as structural, functional, and spatial information, amino acid conservation, physicochemical variation, residue mobility, and thermodynamic stability) indicates that this missense variant is not expected to disrupt KCNT1 protein function with a negative predictive value of 80%. In summary, the available evidence is currently insufficient to determine the role of this variant in disease. Therefore, it has been classified as a Variant of Uncertain Significance.

Genome-Nilou Lab
Classification: Uncertain significance for Developmental and epileptic encephalopathy, 14. Last evaluated: 2022-03-15. Review status: criteria provided, single submitter. Criteria: ACMG Guidelines, 2015. Collection method: clinical testing. Allele origin: germline. Affected: no.

Genome-Nilou Lab
Classification: Uncertain significance for Autosomal dominant nocturnal frontal lobe epilepsy 5. Last evaluated: 2022-03-15. Review status: criteria provided, single submitter. Criteria: ACMG Guidelines, 2015. Collection method: clinical testing. Allele origin: germline. Affected: no.

GeneDx
Classification: Uncertain significance. Last evaluated: 2017-09-28. Review status: criteria provided, single submitter. Criteria: GeneDx Variant Classification (06012015). Collection method: clinical testing. Allele origin: germline. Affected: yes.
Comment: A variant of uncertain significance has been identified in the KCNT1 gene. The S633L variant has not been published as a pathogenic variant, nor has it been reported as a benign variant to our knowledge.The S633L variant is observed in 1/111088 (0.0009%) alleles from individuals of Europeanbackground (Lek et al., 2016). The S633L variant is a non-conservative amino acid substitution, which is likely to impact secondary protein structure as these residues differ in polarity, charge, sizeand/or other properties. Additionally, this substitution occurs at a position that is conserved across species, and in silico analysis predicts this variant is probably damaging to the protein structure/function. Therefore, based on the currently available information, it is unclear whether thisvariant is a pathogenic variant or a rare benign variant.